The following is an entry in ClinVar:

ClinVar aggregate classification (germline): Uncertain significance. Review status: criteria provided, multiple submitters, no conflicts (2 of 4 stars). 3 submissions from 3 submitters: Uncertain significance (2). 1 of the submissions does not count toward it. Last evaluated 2022-03-02.

Conditions:
Alstrom syndrome (ALMS). Identifiers: Orphanet 64, MedGen C0268425, MONDO:0008763, OMIM 203800.

Submissions (3):

Fulgent Genetics
Classification: Uncertain significance for Alstrom syndrome. Last evaluated: 2022-03-02. Review status: criteria provided, single submitter. Criteria: ACMG Guidelines, 2015. Collection method: clinical testing. Allele origin: unknown.

Labcorp Genetics (formerly Invitae), Labcorp
Classification: Uncertain significance for Alstrom syndrome. Last evaluated: 2021-12-30. Review status: criteria provided, single submitter. Criteria: Invitae Variant Classification Sherloc (09022015). Collection method: clinical testing. Allele origin: germline.
Comment: This variant, c.5204_5206del, is a complex sequence change that results in the deletion of 1 amino acid(s) in the ALMS1 protein (p.Glu1735del). This variant is not present in population databases (gnomAD no frequency). This variant has not been reported in the literature in individuals affected with ALMS1-related conditions. ClinVar contains an entry for this variant (Variation ID: 555829). In summary, the available evidence is currently insufficient to determine the role of this variant in disease. Therefore, it has been classified as a Variant of Uncertain Significance.

Counsyl
Classification: Uncertain significance for Alstrom syndrome. Last evaluated: 2017-12-22. Review status: no assertion criteria provided. Collection method: clinical testing. Allele origin: unknown. Not counted in ClinVar's aggregate classification.

NM_001378454.1(ALMS1):c.5198AAG[1] (p.Glu1734del)

Gene: ALMS1 (ALMS1 centrosome and basal body associated protein; plus strand). Cytogenetic location: 2p13.1.
Variant type: Microsatellite.
Coding change: c.5198AAG[1] on transcript NM_001378454.1 (MANE Select); one copy of the 3-base unit AAG starting at c.5198; the reference has two copies in a row; one copy, 3 bases deleted.
Protein change: p.Glu1734del; deletes glutamic acid 1734.
Molecular consequence: inframe deletion.
Genome position (GRCh38, 1-based): chr2:73,451,728-73,451,730, AAG deleted; deleting any 3 consecutive bases within chr2:73,451,725-73,451,730 gives the same sequence; the position shown is the placement nearest the transcript's 3' end. VCF-style (leftmost placement, unchanged base first): chr2-73451724-CAAG-C. GRCh37 (hg19) VCF-style: chr2-73678851-CAAG-C.
Other names: c.5201AAG[1], p.Glu1735del (NM_015120.4); c.5204_5206delAAG (NM_015120.4); short protein forms E1735del, E1734del.
Identifiers: ClinVar variation 555829 (VCV000555829.5), dbSNP rs1553404031, ClinGen allele CA658822883.